The following is an entry in ClinVar:

ClinVar aggregate classification (germline): Uncertain significance (1 of 4 stars; one submission).

Conditions:
Autosomal dominant nonsyndromic hearing loss 65. Also called: Deafness, autosomal dominant 65; TBC1D24-Related Autosomal Dominant Nonsyndromic Hearing Loss (DFNA). Identifiers: Orphanet 90635, MedGen C3892048, MONDO:0014470, OMIM 616044.
Developmental and epileptic encephalopathy, 1 (DEE1). Also called: INFANTILE SPASM SYNDROME, X-LINKED 1; X-linked infantile spasms; West's syndrome; Tonic spasms with clustering, arrest of psychomotor development and hypsarrhythmia on EEG; X-Linked Infantile Spasm Syndrome; OHTAHARA SYNDROME, X-LINKED. Identifiers: MedGen C3463992, MONDO:0010632, OMIM 308350. Disease mechanism: loss of function.

Submission:

Labcorp Genetics (formerly Invitae), Labcorp
Classification: Uncertain significance for Developmental and epileptic encephalopathy, 1; Autosomal dominant nonsyndromic hearing loss 65. Last evaluated: 2023-03-25. Review status: criteria provided, single submitter. Criteria: Invitae Variant Classification Sherloc (09022015). Collection method: clinical testing. Allele origin: germline.
Comment: This sequence change replaces phenylalanine, which is neutral and non-polar, with leucine, which is neutral and non-polar, at codon 95 of the TBC1D24 protein (p.Phe95Leu). This variant is not present in population databases (gnomAD no frequency). This variant has not been reported in the literature in individuals affected with TBC1D24-related conditions. Advanced modeling of protein sequence and biophysical properties (such as structural, functional, and spatial information, amino acid conservation, physicochemical variation, residue mobility, and thermodynamic stability) performed at Invitae indicates that this missense variant is not expected to disrupt TBC1D24 protein function. In summary, the available evidence is currently insufficient to determine the role of this variant in disease. Therefore, it has been classified as a Variant of Uncertain Significance.

NM_001199107.2(TBC1D24):c.285C>G (p.Phe95Leu)

Gene: TBC1D24 (TBC1 domain family member 24; plus strand). Cytogenetic location: 16p13.3.
Variant type: single nucleotide variant.
Coding change: c.285C>G on transcript NM_001199107.2 (MANE Select); coding-DNA position 285, C replaced by G.
Protein change: p.Phe95Leu; replaces phenylalanine 95 with leucine.
Molecular consequence: missense variant.
Genome position (GRCh38, 1-based): chr16:2,496,433, C>G. VCF-style: chr16-2496433-C-G. GRCh37 (hg19) VCF-style: chr16-2546434-C-G.
Other names: c.285C>G, p.Phe95Leu (NM_020705.3); short protein forms F95L.
Identifiers: ClinVar variation 2945095 (VCV002945095.3), dbSNP rs774354974, ClinGen allele CA394375341.
Genomic context (GRCh38, chr16:2,496,433, plus strand): 5'-CGACATCGTGGGCAAGATCGTGGGCAAGCACAGCAGCAGCTGCCTGCCGCTGCCCGAGTT[C>G]GTGGACAACACGCAGGTGCCCAGCTACTGCCTGAATGCACGCGGCGAGGGGGCCGTGCGC-3'
Protein context (NP_001186036.1, residues 85-105): HSSSCLPLPE[Phe95Leu]VDNTQVPSYC